The following is an entry in ClinVar:

NM_033380.3(COL4A5):c.276+1G>A

Gene: COL4A5 (collagen type IV alpha 5 chain; plus strand). Cytogenetic location: Xq22.3.
Variant type: single nucleotide variant.
Coding change: c.276+1G>A on transcript NM_033380.3 (MANE Select); the canonical splice donor site of the intron after coding-DNA position 276, G replaced by A.
Molecular consequence: splice donor variant.
Genome position (GRCh38, 1-based): chrX:108,563,927, G>A. VCF-style: chrX-108563927-G-A. GRCh37 (hg19) VCF-style: chrX-107807157-G-A.
Other names: c.276+1G>A (NM_000495.5).
Identifiers: ClinVar variation 3639736 (VCV003639736.2).

ClinVar aggregate classification (germline): Likely pathogenic (1 of 4 stars; one submission).

Submission:

Labcorp Genetics (formerly Invitae), Labcorp
Classification: Likely pathogenic. Last evaluated: 2024-10-29. Review status: criteria provided, single submitter. Criteria: Invitae Variant Classification Sherloc (09022015). Collection method: clinical testing. Allele origin: germline.
Comment: This sequence change affects a donor splice site in intron 4 of the COL4A5 gene. It is expected to disrupt RNA splicing. Variants that disrupt the donor or acceptor splice site typically lead to a loss of protein function (PMID: 16199547), and loss-of-function variants in COL4A5 are known to be pathogenic (PMID: 9195222, 10752524, 14514738, 24854265, 26809805). This variant is not present in population databases (gnomAD no frequency). Disruption of this splice site has been observed in individual(s) with clinical features of Alport syndrome (internal data). Algorithms developed to predict the effect of sequence changes on RNA splicing suggest that this variant may disrupt the consensus splice site. In summary, the currently available evidence indicates that the variant is pathogenic, but additional data are needed to prove that conclusively. Therefore, this variant has been classified as Likely Pathogenic.

Literature cited by the submitters: PubMed 16199547; PubMed 9195222; PubMed 10752524; PubMed 14514738; PubMed 24854265; PubMed 26809805.